The following is an entry in ClinVar:

NM_001009999.3(KDM1A):c.626C>T (p.Thr209Ile)

Gene: KDM1A (lysine demethylase 1A; plus strand). Cytogenetic location: 1p36.12.
Variant type: single nucleotide variant.
Coding change: c.626C>T on transcript NM_001009999.3 (MANE Select); coding-DNA position 626, C replaced by T.
Protein change: p.Thr209Ile; replaces threonine 209 with isoleucine.
Molecular consequence: missense variant.
Genome position (GRCh38, 1-based): chr1:23,050,435, C>T. VCF-style: chr1-23050435-C-T. GRCh37 (hg19) VCF-style: chr1-23376928-C-T.
Other names: c.566C>T, p.Thr189Ile (NM_001363654.2, NM_001410763.1, NM_015013.4); c.626C>T, p.Thr209Ile (NM_001410762.1); short protein forms T209I, T189I.
Identifiers: ClinVar variation 4042099 (VCV004042099.1).

ClinVar aggregate classification (germline): Uncertain significance (1 of 4 stars; one submission).

Conditions:
Inborn genetic diseases. Identifiers: MedGen C0950123, MeSH D030342.

Submission:

Ambry Genetics
Classification: Uncertain significance for Inborn genetic diseases. Last evaluated: 2025-04-11. Review status: criteria provided, single submitter. Criteria: Ambry Variant Classification Scheme 2023. Collection method: clinical testing. Allele origin: germline.
Comment: The p.T209I variant (also known as c.626C>T), located in coding exon 4 of the KDM1A gene, results from a C to T substitution at nucleotide position 626. The threonine at codon 209 is replaced by isoleucine, an amino acid with similar properties. This amino acid position is conserved. In addition, the in silico prediction for this alteration is inconclusive. Based on the available evidence, the clinical significance of this variant remains unclear.